The following is an entry in ClinVar:

ClinVar aggregate classification (germline): Likely pathogenic (1 of 4 stars; one submission).

Conditions:
Mucopolysaccharidosis, MPS-IV-A (MPS4A). Also called: Morquio syndrome A, mild; MORQUIO SYNDROME A; GALACTOSAMINE-6-SULFATASE DEFICIENCY; GALNS DEFICIENCY; MORQUIO A DISEASE; mucopolysaccharidosis type 4A. Identifiers: Orphanet 309297, Orphanet 582, MedGen C0086651, MONDO:0009659, OMIM 253000.

Submission:

Labcorp Genetics (formerly Invitae), Labcorp
Classification: Likely pathogenic for Mucopolysaccharidosis, MPS-IV-A. Last evaluated: 2023-12-11. Review status: criteria provided, single submitter. Criteria: Invitae Variant Classification Sherloc (09022015). Collection method: clinical testing. Allele origin: germline.
Comment: This sequence change replaces methionine, which is neutral and non-polar, with arginine, which is basic and polar, at codon 62 of the GALNS protein (p.Met62Arg). This variant is not present in population databases (gnomAD no frequency). This variant has not been reported in the literature in individuals affected with GALNS-related conditions. Advanced modeling of protein sequence and biophysical properties (such as structural, functional, and spatial information, amino acid conservation, physicochemical variation, residue mobility, and thermodynamic stability) performed at Invitae indicates that this missense variant is expected to disrupt GALNS protein function with a positive predictive value of 95%. Algorithms developed to predict the effect of sequence changes on RNA splicing suggest that this variant may disrupt the consensus splice site. This variant disrupts the p.Met62 amino acid residue in GALNS. Other variant(s) that disrupt this residue have been determined to be pathogenic (Invitae). This suggests that this residue is clinically significant, and that variants that disrupt this residue are likely to be disease-causing. In summary, the currently available evidence indicates that the variant is pathogenic, but additional data are needed to prove that conclusively. Therefore, this variant has been classified as Likely Pathogenic.

NM_000512.5(GALNS):c.185T>G (p.Met62Arg)

Gene: GALNS (galactosamine (N-acetyl)-6-sulfatase; minus strand). Cytogenetic location: 16q24.3.
Variant type: single nucleotide variant.
Coding change: c.185T>G on transcript NM_000512.5 (MANE Select); coding-DNA position 185, T replaced by G.
Protein change: p.Met62Arg; replaces methionine 62 with arginine.
Molecular consequence: missense variant. On other transcripts: intron variant (1).
Genome position (GRCh38, 1-based): chr16:88,842,765, A>C on the plus strand (T>G on the coding strand, the complement: GALNS is on the minus strand). VCF-style: chr16-88842765-A-C. GRCh37 (hg19) VCF-style: chr16-88909173-A-C.
Other names: c.203T>G, p.Met68Arg (NM_001323544.2); c.-311-794T>G (NM_001323543.2); short protein forms M68R, M62R.
Identifiers: ClinVar variation 2702146 (VCV002702146.3), dbSNP rs997565505, ClinGen allele CA397091672.
Genomic context (GRCh38, chr16:88,842,765, plus strand): 5'-CATGGCGAGCACAGAGGGTTGGCAGAATAGAAGTTTGGGAAAAGCAGCCCTTCTGCAGCC[A>C]TCCGGTCCAAATTCGGGGTCTCTCTGGAGGGCTCTCCATACACCCCGAGGTCACCCCATC-3'
Protein context (NP_000503.1, residues 52-72): PSRETPNLDR[Met62Arg]AAEGLLFPNF